The following is an entry in ClinVar:

NM_058216.3(RAD51C):c.112C>T (p.Leu38Phe)

Gene: RAD51C (RAD51 paralog C; plus strand). Cytogenetic location: 17q22.
Variant type: single nucleotide variant.
Coding change: c.112C>T on transcript NM_058216.3 (MANE Select); coding-DNA position 112, C replaced by T.
Protein change: p.Leu38Phe; replaces leucine 38 with phenylalanine.
Molecular consequence: missense variant. On other transcripts: non-coding transcript variant (1).
Genome position (GRCh38, 1-based): chr17:58,692,755, C>T. VCF-style: chr17-58692755-C-T. GRCh37 (hg19) VCF-style: chr17-56770116-C-T.
Other names: c.112C>T, p.Leu38Phe (NM_002876.4, NM_058217.1); short protein forms L38F.
Identifiers: ClinVar variation 1727902 (VCV001727902.6), dbSNP rs2143679153, ClinGen allele CA400337503.

ClinVar aggregate classification (germline): Conflicting classifications of pathogenicity. Review status: criteria provided, conflicting classifications (1 of 4 stars). 2 submissions from 2 submitters: Uncertain significance (1); Benign (1). Last evaluated 2025-10-17.

Conditions:
Fanconi anemia complementation group O. Also called: RAD51C-Related Fanconi Anemia. Identifiers: Orphanet 84, MedGen C3150653, MONDO:0013248, OMIM 613390.
Hereditary cancer-predisposing syndrome. Also called: Neoplastic Syndromes, Hereditary; Tumor predisposition; Hereditary Cancer Syndrome; Hereditary neoplastic syndrome. Identifiers: Orphanet 140162, MedGen C0027672, MeSH D009386, MONDO:0015356.

Submissions (2):

Ambry Genetics
Classification: Benign for Hereditary cancer-predisposing syndrome. Last evaluated: 2025-10-17. Review status: criteria provided, single submitter. Criteria: Ambry Variant Classification Scheme 2023. Collection method: clinical testing. Allele origin: germline.

Labcorp Genetics (formerly Invitae), Labcorp
Classification: Uncertain significance for Fanconi anemia complementation group O. Last evaluated: 2023-03-02. Review status: criteria provided, single submitter. Criteria: Invitae Variant Classification Sherloc (09022015). Collection method: clinical testing. Allele origin: germline.
Comment: In summary, the available evidence is currently insufficient to determine the role of this variant in disease. Therefore, it has been classified as a Variant of Uncertain Significance. Advanced modeling of protein sequence and biophysical properties (such as structural, functional, and spatial information, amino acid conservation, physicochemical variation, residue mobility, and thermodynamic stability) performed at Invitae indicates that this missense variant is not expected to disrupt RAD51C protein function. ClinVar contains an entry for this variant (Variation ID: 1727902). This variant has not been reported in the literature in individuals affected with RAD51C-related conditions. This variant is not present in population databases (gnomAD no frequency). This sequence change replaces leucine, which is neutral and non-polar, with phenylalanine, which is neutral and non-polar, at codon 38 of the RAD51C protein (p.Leu38Phe).